The following is an entry in ClinVar:

ClinVar aggregate classification (germline): Likely benign (1 of 4 stars; one submission).

Conditions:
Disorders of Intracellular Cobalamin Metabolism. Identifiers: MedGen CN043592.

Allele frequency attached by ClinVar (database versions not stated): 1000 Genomes Project 0.00359; gnomAD 0.00388 and 0.00412; 1000 Genomes Project 30x 0.00406; TOPMed 0.00421.

Submission:

Illumina Laboratory Services, Illumina
Classification: Likely benign for Disorders of Intracellular Cobalamin Metabolism. Last evaluated: 2018-01-13. Review status: criteria provided, single submitter. Criteria: ICSL Variant Classification Criteria 13 December 2019. Collection method: clinical testing. Allele origin: germline.
Comment: This variant was observed in the ICSL laboratory as part of a predisposition screen in an ostensibly healthy population. It had not been previously curated by ICSL or reported in the Human Gene Mutation Database (HGMD: prior to June 1st, 2018), and was therefore a candidate for classification through an automated scoring system. Utilizing variant allele frequency, disease prevalence and penetrance estimates, and inheritance mode, an automated score was calculated to assess if this variant is too frequent to cause the disease. Based on the score and internal cut-off values, a variant classified as likely benign is not then subjected to further curation. The score for this variant resulted in a classification of likely benign for this disease.

NM_000254.3(MTR):c.*5000T>G

Gene: MTR (5-methyltetrahydrofolate-homocysteine methyltransferase; plus strand). Cytogenetic location: 1q43.
Variant type: single nucleotide variant.
Coding change: c.*5000T>G on transcript NM_000254.3 (MANE Select); 5000 bases downstream of the stop codon, T replaced by G.
Molecular consequence: 3 prime UTR variant.
Genome position (GRCh38, 1-based): chr1:236,902,644, T>G. VCF-style: chr1-236902644-T-G. GRCh37 (hg19) VCF-style: chr1-237065944-T-G.
Other names: c.*5000T>G (NM_001291939.1, NM_001291940.2).
Identifiers: ClinVar variation 874005 (VCV000874005.4), dbSNP rs145360296, ClinGen allele CA39768859.